The following is an entry in ClinVar:

NM_001844.5(COL2A1):c.1321G>A (p.Gly441Ser)

Gene: COL2A1 (collagen type II alpha 1 chain; minus strand). Cytogenetic location: 12q13.11.
Variant type: single nucleotide variant.
Coding change: c.1321G>A on transcript NM_001844.5 (MANE Select); coding-DNA position 1321, G replaced by A.
Protein change: p.Gly441Ser; replaces glycine 441 with serine.
Molecular consequence: missense variant.
Genome position (GRCh38, 1-based): chr12:47,987,122, C>T on the plus strand (G>A on the coding strand, the complement: COL2A1 is on the minus strand). VCF-style: chr12-47987122-C-T. GRCh37 (hg19) VCF-style: chr12-48380905-C-T.
Other names: c.1114G>A, p.Gly372Ser (NM_033150.3); short protein forms G372S, G441S.
Identifiers: ClinVar variation 2828732 (VCV002828732.3), dbSNP rs2540151614, ClinGen allele CA384553885.

ClinVar aggregate classification (germline): Likely pathogenic (1 of 4 stars; one submission).

Submission:

Labcorp Genetics (formerly Invitae), Labcorp
Classification: Likely pathogenic. Last evaluated: 2023-01-15. Review status: criteria provided, single submitter. Criteria: Invitae Variant Classification Sherloc (09022015). Collection method: clinical testing. Allele origin: germline.
Comment: This variant disrupts the triple helix domain of COL2A1. Glycine residues within the Gly-Xaa-Yaa repeats of the triple helix domain are required for the structure and stability of fibrillar collagens (PMID: 7695699, 8218237, 19344236). In COL2A1, variants affecting these glycine residues are significantly enriched in individuals with disease (PMID: 9016532, 17078022) compared to the general population (ExAC). Advanced modeling of protein sequence and biophysical properties (such as structural, functional, and spatial information, amino acid conservation, physicochemical variation, residue mobility, and thermodynamic stability) performed at Invitae indicates that this missense variant is expected to disrupt COL2A1 protein function. This variant has not been reported in the literature in individuals affected with COL2A1-related conditions. This variant is not present in population databases (gnomAD no frequency). This sequence change replaces glycine, which is neutral and non-polar, with serine, which is neutral and polar, at codon 441 of the COL2A1 protein (p.Gly441Ser). In summary, the currently available evidence indicates that the variant is pathogenic, but additional data are needed to prove that conclusively. Therefore, this variant has been classified as Likely Pathogenic.

Literature cited by the submitters: PubMed 7695699; PubMed 8218237; PubMed 19344236; PubMed 9016532; PubMed 17078022.